The following is an entry in ClinVar:

ClinVar aggregate classification (germline): Uncertain significance (1 of 4 stars; one submission).

gnomAD v4.1: 1 of 1,613,944 alleles (0.000062%); highest among the groups gnomAD compares: Non-Finnish European, 0.000085%; no homozygotes.

Submission:

Ambry Genetics
Classification: Uncertain significance. Last evaluated: 2024-12-12. Review status: criteria provided, single submitter. Criteria: Ambry Variant Classification Scheme 2023. Collection method: clinical testing. Allele origin: germline.
Comment: The p.C715S variant (also known as c.2143T>A), located in coding exon 13 of the GEN1 gene, results from a T to A substitution at nucleotide position 2143. The cysteine at codon 715 is replaced by serine, an amino acid with dissimilar properties. This amino acid position is conserved. In addition, this alteration is predicted to be tolerated by in silico analysis. Based on the available evidence, the clinical significance of this variant remains unclear.

NM_001130009.3(GEN1):c.2143T>A (p.Cys715Ser)

Gene: GEN1 (GEN1 Holliday junction 5' flap endonuclease; plus strand). Cytogenetic location: 2p24.2.
Variant type: single nucleotide variant.
Coding change: c.2143T>A on transcript NM_001130009.3 (MANE Select); coding-DNA position 2143, T replaced by A.
Protein change: p.Cys715Ser; replaces cysteine 715 with serine.
Molecular consequence: missense variant.
Genome position (GRCh38, 1-based): chr2:17,781,355, T>A. VCF-style: chr2-17781355-T-A. GRCh37 (hg19) VCF-style: chr2-17962622-T-A.
Other names: c.2143T>A, p.Cys715Ser (NM_182625.5); short protein forms C715S.
Identifiers: ClinVar variation 3853419 (VCV003853419.1).